The following is an entry in ClinVar:

ClinVar aggregate classification (germline): Uncertain significance. Review status: criteria provided, multiple submitters, no conflicts (2 of 4 stars). 2 submissions from 2 submitters: Uncertain significance (2). Last evaluated 2024-03-06.

Conditions:
POLQ-related disorder. Also called: POLQ-related condition.

Allele frequency attached by ClinVar (database versions not stated): gnomAD exomes 0.00001.
gnomAD v4.1: 10 of 1,610,034 alleles (0.00062%); highest among the groups gnomAD compares: Non-Finnish European, 0.00085%; no homozygotes.

Submissions (2):

Ambry Genetics
Classification: Uncertain significance. Last evaluated: 2024-03-06. Review status: criteria provided, single submitter. Criteria: Ambry Variant Classification Scheme 2023. Collection method: clinical testing. Allele origin: germline.
Comment: The p.E2246K variant (also known as c.6736G>A), located in coding exon 23 of the POLQ gene, results from a G to A substitution at nucleotide position 6736. The glutamic acid at codon 2246 is replaced by lysine, an amino acid with similar properties. This amino acid position is conserved. In addition, the in silico prediction for this alteration is inconclusive. Since supporting evidence is limited at this time, the clinical significance of this alteration remains unclear.

Department of Pathology and Laboratory Medicine, Sinai Health System
Classification: Uncertain significance for POLQ-related disorder. Last evaluated: 2020-06-10. Review status: criteria provided, single submitter. Criteria: ACMG Guidelines, 2015. Collection method: research. Allele origin: germline.

NM_199420.4(POLQ):c.6736G>A (p.Glu2246Lys)

Gene: POLQ (DNA polymerase theta; minus strand). Cytogenetic location: 3q13.33.
Variant type: single nucleotide variant.
Coding change: c.6736G>A on transcript NM_199420.4 (MANE Select); coding-DNA position 6736, G replaced by A.
Protein change: p.Glu2246Lys; replaces glutamic acid 2246 with lysine.
Molecular consequence: missense variant.
Genome position (GRCh38, 1-based): chr3:121,468,414, C>T on the plus strand (G>A on the coding strand, the complement: POLQ is on the minus strand). VCF-style: chr3-121468414-C-T. GRCh37 (hg19) VCF-style: chr3-121187261-C-T.
Other names: short protein forms E2246K.
Identifiers: ClinVar variation 1755163 (VCV001755163.3), dbSNP rs2047856154, ClinGen allele CA354111773.